The following is an entry in ClinVar:

ClinVar aggregate classification (germline): Uncertain significance (1 of 4 stars; one submission).

Conditions:
Joubert syndrome. Also called: CEREBELLOPARENCHYMAL DISORDER IV; JOUBERT-BOLTSHAUSER SYNDROME; Familial aplasia of the vermis. Identifiers: Orphanet 475, MedGen C5979921, MONDO:0018772.
Nephronophthisis. Also called: Juvenile Nephronophthisis. Identifiers: Orphanet 655, MedGen C0687120, MONDO:0019005, HP:0000090.
Meckel-Gruber syndrome. Also called: DYSENCEPHALIA SPLANCHNOCYSTICA; GRUBER SYNDROME; Dysencephalia splachnocystica. Identifiers: Orphanet 564, MedGen C0265215, MONDO:0018921.

Submission:

Labcorp Genetics (formerly Invitae), Labcorp
Classification: Uncertain significance for Joubert syndrome; Meckel-Gruber syndrome; Nephronophthisis. Last evaluated: 2024-04-01. Review status: criteria provided, single submitter. Criteria: Invitae Variant Classification Sherloc (09022015). Collection method: clinical testing. Allele origin: germline.
Comment: This sequence change replaces arginine, which is basic and polar, with leucine, which is neutral and non-polar, at codon 2339 of the CEP290 protein (p.Arg2339Leu). This variant is not present in population databases (gnomAD no frequency). This variant has not been reported in the literature in individuals affected with CEP290-related conditions. ClinVar contains an entry for this variant (Variation ID: 2151170). An algorithm developed to predict the effect of missense changes on protein structure and function (PolyPhen-2) suggests that this variant is likely to be tolerated. In summary, the available evidence is currently insufficient to determine the role of this variant in disease. Therefore, it has been classified as a Variant of Uncertain Significance.

NM_025114.4(CEP290):c.7016G>T (p.Arg2339Leu)

Gene: CEP290 (centrosomal protein 290; minus strand). Cytogenetic location: 12q21.32.
Variant type: single nucleotide variant.
Coding change: c.7016G>T on transcript NM_025114.4 (MANE Select); coding-DNA position 7016, G replaced by T.
Protein change: p.Arg2339Leu; replaces arginine 2339 with leucine.
Molecular consequence: missense variant.
Genome position (GRCh38, 1-based): chr12:88,054,358, C>A on the plus strand (G>T on the coding strand, the complement: CEP290 is on the minus strand). VCF-style: chr12-88054358-C-A. GRCh37 (hg19) VCF-style: chr12-88448135-C-A.
Other names: short protein forms R2339L.
Identifiers: ClinVar variation 2151170 (VCV002151170.4), dbSNP rs1262698711, ClinGen allele CA385975483.